The following is an entry in ClinVar:

ClinVar aggregate classification (germline): Uncertain significance. Review status: criteria provided, multiple submitters, no conflicts (2 of 4 stars). 4 submissions from 4 submitters: Uncertain significance (4). Last evaluated 2025-07-16.

Conditions:
Inborn genetic diseases. Identifiers: MedGen C0950123, MeSH D030342.
Familial juvenile hyperuricemic nephropathy type 1 (ADTKD1). Also called: Autosomal Dominant Tubulointerstitial Kidney Disease – UMOD; UMOD-Associated Kidney Disease; Uromodulin-associated kidney disease; Glomerulocystic kidney disease with hyperuricemia and isosthenuria; Medullary cystic kidney disease 2. Identifiers: Orphanet 209886, Orphanet 34149, Orphanet 88950, MedGen C4551496, MONDO:0008073, OMIM 162000.
Kidney failure. Identifiers: MedGen C0035078, MONDO:0001106.

Allele frequency attached by ClinVar (database versions not stated): gnomAD exomes 0.00001; TOPMed 0.00001; ExAC 0.00002; gnomAD 0.00002.
gnomAD v4.1: 30 of 1,614,066 alleles (0.0019%); highest among the groups gnomAD compares: Middle Eastern, 0.016%; no homozygotes.

Submissions (4):

Labcorp Genetics (formerly Invitae), Labcorp
Classification: Uncertain significance. Last evaluated: 2025-07-16. Review status: criteria provided, single submitter. Criteria: Invitae Variant Classification Sherloc (09022015). Collection method: clinical testing. Allele origin: germline.
Comment: This sequence change replaces arginine, which is basic and polar, with glutamine, which is neutral and polar, at codon 547 of the UMOD protein (p.Arg547Gln). This variant is present in population databases (rs780358900, gnomAD 0.006%). This variant has not been reported in the literature in individuals affected with UMOD-related conditions. ClinVar contains an entry for this variant (Variation ID: 1437395). Invitae Evidence Modeling of protein sequence and biophysical properties (such as structural, functional, and spatial information, amino acid conservation, physicochemical variation, residue mobility, and thermodynamic stability) indicates that this missense variant is not expected to disrupt UMOD protein function with a negative predictive value of 80%. Algorithms developed to predict the effect of sequence changes on RNA splicing suggest that this variant may disrupt the consensus splice site. In summary, the available evidence is currently insufficient to determine the role of this variant in disease. Therefore, it has been classified as a Variant of Uncertain Significance.

Fulgent Genetics
Classification: Uncertain significance for Familial juvenile hyperuricemic nephropathy type 1. Last evaluated: 2024-06-11. Review status: criteria provided, single submitter. Criteria: ACMG Guidelines, 2015. Collection method: clinical testing. Allele origin: germline.

Ambry Genetics
Classification: Uncertain significance for Inborn genetic diseases. Last evaluated: 2023-03-01. Review status: criteria provided, single submitter. Criteria: Ambry Variant Classification Scheme 2023. Collection method: clinical testing. Allele origin: germline.

Cambridge Genomics Laboratory, East Genomic Laboratory Hub, NHS Genomic Medicine Service
Classification: Uncertain significance for Kidney failure. Last evaluated: 2019-10-04. Review status: criteria provided, single submitter. Criteria: ACGS Best Practice Guidelines for Variant Classification in Rare Disease 2020. Collection method: clinical testing. Allele origin: germline. Affected: yes. Observed: 1 variant allele.

NM_003361.4(UMOD):c.1640G>A (p.Arg547Gln)

Gene: UMOD (uromodulin; minus strand). Cytogenetic location: 16p12.3.
Variant type: single nucleotide variant.
Coding change: c.1640G>A on transcript NM_003361.4 (MANE Select); coding-DNA position 1640, G replaced by A.
Protein change: p.Arg547Gln; replaces arginine 547 with glutamine.
Molecular consequence: missense variant. On other transcripts: non-coding transcript variant (1).
Genome position (GRCh38, 1-based): chr16:20,337,391, C>T on the plus strand (G>A on the coding strand, the complement: UMOD is on the minus strand). VCF-style: chr16-20337391-C-T. GRCh37 (hg19) VCF-style: chr16-20348713-C-T.
Other names: c.1640G>A (NM_003361.2); c.1640G>A, p.Arg547Gln (NM_001008389.3, NM_001378232.1, NM_001378233.1); c.1739G>A, p.Arg580Gln (NM_001278614.2); c.1781G>A, p.Arg594Gln (NM_001378234.1, NM_001378235.1); short protein forms R580Q, R594Q, R547Q.
Identifiers: ClinVar variation 1437395 (VCV001437395.14), dbSNP rs780358900, ClinGen allele CA7939071.